The following is an entry in ClinVar:

ClinVar aggregate classification (germline): Uncertain significance (1 of 4 stars; one submission).

gnomAD v4.1: 2 of 1,203,792 alleles (0.00017%); highest among the groups gnomAD compares: Non-Finnish European, 0.00022%; no homozygotes.

Submission:

GeneDx
Classification: Uncertain significance. Last evaluated: 2024-10-07. Review status: criteria provided, single submitter. Criteria: GeneDx Variant Classification Process June 2021. Collection method: clinical testing. Allele origin: germline. Affected: yes.
Comment: Not observed at significant frequency in large population cohorts (gnomAD); In silico analysis indicates that this missense variant does not alter protein structure/function; Has not been previously published as pathogenic or benign to our knowledge

NM_001039591.3(USP9X):c.2336T>A (p.Ile779Asn)

Gene: USP9X (ubiquitin specific peptidase 9 X-linked; plus strand). Cytogenetic location: Xp11.4.
Variant type: single nucleotide variant.
Coding change: c.2336T>A on transcript NM_001039591.3 (MANE Select); coding-DNA position 2336, T replaced by A.
Protein change: p.Ile779Asn; replaces isoleucine 779 with asparagine.
Molecular consequence: missense variant.
Genome position (GRCh38, 1-based): chrX:41,167,489, T>A. VCF-style: chrX-41167489-T-A. GRCh37 (hg19) VCF-style: chrX-41026742-T-A.
Other names: c.2336T>A, p.Ile779Asn (NM_001039590.3); c.2351T>A, p.Ile784Asn (NM_001410748.1, NM_001410749.1); short protein forms I779N, I784N.
Identifiers: ClinVar variation 3776722 (VCV003776722.1).